The following is an entry in ClinVar:

ClinVar aggregate classification (germline): Uncertain significance (0 of 4 stars; one submission).

Conditions:
Polycystic kidney disease. Also called: Kidney, Polycystic; Polycystic kidney dysplasia. Identifiers: MedGen C0022680, MeSH D007690, MONDO:0020642, HP:0000113.

Submission:

Department of Pathology and Laboratory Medicine, Sinai Health System
Classification: Uncertain significance for Polycystic Kidney disease. Review status: no assertion criteria provided. Collection method: clinical testing. Allele origin: unknown. Affected: yes. Study: The Canadian Open Genetics Repository (COGR).
Comment: The PKD1 p.Gly2459Cys variant was not identified in the literature nor was it identified in dbSNP, NHLBI GO Exome Sequencing Project, the Exome Aggregation Consortium database, Clinvitae, ClinVar, GeneInsight COGR, PKD1-LOVD and PKD1-LOVD 3.0 databases. The variant was identified in the ADPKD Mutation Database and classified as likely pathogenic. The p.Gly2459 residue is conserved across mammals and other organisms, and four out of five computational analyses (PolyPhen-2, SIFT, AlignGVGD, BLOSUM, MutationTaster) suggest that the Cysteine variant may impact the protein; however, this information is not predictive enough to assume pathogenicity. The variant occurs outside of the splicing consensus sequence and 1 of 5 in silico or computational prediction software programs (SpliceSiteFinder, MaxEntScan, NNSPLICE, GeneSplicer, HumanSpliceFinder) predict a greater than 10% difference in splicing; however, this is not very predictive of pathogenicity. In summary, based on the above information, the clinical significance of this variant cannot be determined with certainty at this time. This variant is classified as a variant of uncertain significance.

NM_001009944.3(PKD1):c.7375G>T (p.Gly2459Cys)

Gene: PKD1 (polycystin 1, transient receptor potential channel interacting; minus strand). Cytogenetic location: 16p13.3.
Variant type: single nucleotide variant.
Coding change: c.7375G>T on transcript NM_001009944.3 (MANE Select); coding-DNA position 7375, G replaced by T.
Protein change: p.Gly2459Cys; replaces glycine 2459 with cysteine.
Molecular consequence: missense variant.
Genome position (GRCh38, 1-based): chr16:2,106,512, C>A on the plus strand (G>T on the coding strand, the complement: PKD1 is on the minus strand). VCF-style: chr16-2106512-C-A. GRCh37 (hg19) VCF-style: chr16-2156513-C-A.
Other names: c.7375G>T, p.Gly2459Cys (NM_000296.4); short protein forms G2459C.
Identifiers: ClinVar variation 433982 (VCV000433982.3), dbSNP rs1555453102, ClinGen allele CA394369947.